The following is an entry in ClinVar:

ClinVar aggregate classification (germline): Uncertain significance (1 of 4 stars; one submission).

Conditions:
Cardiomyopathy (CMYO). Also called: Cardiomyopathies. Identifiers: Orphanet 167848, MedGen C0878544, MONDO:0004994, HP:0001638. Inheritance: Various modes of inheritance.

Submission:

Color Diagnostics, LLC DBA Color Health
Classification: Uncertain significance for Cardiomyopathy. Last evaluated: 2024-03-06. Review status: criteria provided, single submitter. Criteria: ACMG Guidelines, 2015. Collection method: clinical testing. Allele origin: germline.
Comment: This missense variant replaces glutamine with histidine at codon 2677 of the DSP protein. Computational prediction tool suggests that this variant may not impact protein structure and function (internally defined REVEL score threshold <=0.5, PMID: 27666373). Splice site prediction tools suggest that this variant may not impact RNA splicing. To our knowledge, functional studies have not been performed for this variant. This variant has not been reported in individuals affected with cardiovascular disorders in the literature. This variant has not been identified in the general population by the Genome Aggregation Database (gnomAD). The available evidence is insufficient to determine the role of this variant in disease conclusively. Therefore, this variant is classified as a Variant of Uncertain Significance.

NM_004415.4(DSP):c.8031G>T (p.Gln2677His)

Gene: DSP (desmoplakin; plus strand). Cytogenetic location: 6p24.3.
Variant type: single nucleotide variant.
Coding change: c.8031G>T on transcript NM_004415.4 (MANE Select); coding-DNA position 8031, G replaced by T.
Protein change: p.Gln2677His; replaces glutamine 2677 with histidine.
Molecular consequence: missense variant.
Genome position (GRCh38, 1-based): chr6:7,585,293, G>T. VCF-style: chr6-7585293-G-T. GRCh37 (hg19) VCF-style: chr6-7585526-G-T.
Other names: c.6234G>T, p.Gln2078His (NM_001008844.3); c.6702G>T, p.Gln2234His (NM_001319034.2); short protein forms Q2677H, Q2234H, Q2078H.
Identifiers: ClinVar variation 919605 (VCV000919605.4), dbSNP rs1759614272, ClinGen allele CA362694290.
Genomic context (GRCh38, chr6:7,585,293, plus strand): 5'-AGGTGGCATCATCCACCCAACCACGGGCCAGAAGCTGTCACTTCAGGACGCAGTCTCCCA[G>T]GGTGTGATTGACCAAGACATGGCCACCAGGCTGAAGCCTGCTCAGAAAGCCTTCATAGGC-3'
Protein context (NP_004406.2, residues 2667-2687): QKLSLQDAVS[Gln2677His]GVIDQDMATR